The following is an entry in ClinVar:

NM_015311.3(OBSL1):c.2353G>A (p.Glu785Lys)

Gene: OBSL1 (obscurin like cytoskeletal adaptor 1; minus strand). Cytogenetic location: 2q35.
Variant type: single nucleotide variant.
Coding change: c.2353G>A on transcript NM_015311.3 (MANE Select); coding-DNA position 2353, G replaced by A.
Protein change: p.Glu785Lys; replaces glutamic acid 785 with lysine.
Molecular consequence: missense variant.
Genome position (GRCh38, 1-based): chr2:219,565,296, C>T on the plus strand (G>A on the coding strand, the complement: OBSL1 is on the minus strand). VCF-style: chr2-219565296-C-T. GRCh37 (hg19) VCF-style: chr2-220430018-C-T.
Other names: c.2353G>A, p.Glu785Lys (NM_001173408.2, NM_001173431.2); short protein forms E785K.
Identifiers: ClinVar variation 3341399 (VCV003341399.1).
Genomic context (GRCh38, chr2:219,565,296, plus strand): 5'-CCTGACCTTGGACAGTGACGCCGAAGAAGGCCGAGACCCCTTCTGTCCTGCACTCAAACT[C>T]GCCACTGTCCTGGACTTTGGCCTCAGGCAGGATCAGACGGTGTTTGCGCCCATCCATCTT-3'
Protein context (NP_056126.1, residues 775-795): LPEAKVQDSG[Glu785Lys]FECRTEGVSA

ClinVar aggregate classification (germline): Uncertain significance (1 of 4 stars; one submission).

Conditions:
3M syndrome 2. Also called: 3-M Syndrome, OBSL1-Related; THREE M SYNDROME 2. Identifiers: Orphanet 2616, MedGen C2752041, MONDO:0013039, OMIM 612921.

gnomAD v4.1: 8 of 1,614,004 alleles (0.0005%); highest among the groups gnomAD compares: South Asian, 0.0022%; no homozygotes.

Submission:

Neuberg Centre For Genomic Medicine, NCGM
Classification: Uncertain significance for 3M syndrome 2. Last evaluated: 2023-05-20. Review status: criteria provided, single submitter. Criteria: ACMG Guidelines, 2015. Collection method: clinical testing. Allele origin: germline. Inheritance: Autosomal recessive inheritance. Affected: yes.
Comment: The observed missense c.2353G>A(p.Glu785Lys) variant in OBSL1 gene has not been reported previously as a pathogenic variant nor as a benign variant, to our knowledge. This variant is present with an allele frequency of 0.001% in gnomAD Exomes database. This variant has not been submitted to the ClinVar database. Computational evidence (Polyphen - possibly damaging , SIFT - Tolerated, and MutationTaster - disease causing) predicts conflicting evidence on protein structure and function for this variant. The amino acid change p.Glu785Lys in OBSL1 is predicted as conserved by GERP++ and PhyloP across 100 vertebrates. The amino acid Glu at position 785 is changed to a Lys changing protein sequence and it might alter its composition and physico-chemical properties. For these reasons, this variant has been classified as Variant of Uncertain Significance (VUS).